The following is an entry in ClinVar:

ClinVar aggregate classification (germline): Uncertain significance. Review status: criteria provided, multiple submitters, no conflicts (2 of 4 stars). 3 submissions from 3 submitters: Uncertain significance (3). Last evaluated 2025-08-04.

Conditions:
Inborn genetic diseases. Identifiers: MedGen C0950123, MeSH D030342.

Allele frequency attached by ClinVar (database versions not stated): TOPMed 0.00001; ESP Exome Variant Server 0.00008.
gnomAD v4.1: 1 of 1,613,916 alleles (0.000062%); highest among the groups gnomAD compares: Non-Finnish European, 0.000085%; no homozygotes.

Submissions (3):

Ambry Genetics
Classification: Uncertain significance for Inborn genetic diseases. Last evaluated: 2025-08-04. Review status: criteria provided, single submitter. Criteria: Ambry Variant Classification Scheme 2023. Collection method: clinical testing. Allele origin: germline.

Labcorp Genetics (formerly Invitae), Labcorp
Classification: Uncertain significance. Last evaluated: 2021-02-23. Review status: criteria provided, single submitter. Criteria: Invitae Variant Classification Sherloc (09022015). Collection method: clinical testing. Allele origin: germline.
Comment: Algorithms developed to predict the effect of missense changes on protein structure and function (SIFT, PolyPhen-2, Align-GVGD) all suggest that this variant is likely to be disruptive, but these predictions have not been confirmed by published functional studies and their clinical significance is uncertain. In summary, the available evidence is currently insufficient to determine the role of this variant in disease. Therefore, it has been classified as a Variant of Uncertain Significance. Algorithms developed to predict the effect of sequence changes on RNA splicing suggest that this variant may create or strengthen a splice site, but this prediction has not been confirmed by published transcriptional studies. This variant has not been reported in the literature in individuals with TTLL5-related conditions. This variant is not present in population databases (ExAC no frequency). This sequence change replaces glutamine with glutamic acid at codon 117 of the TTLL5 protein (p.Gln117Glu). The glutamine residue is highly conserved and there is a small physicochemical difference between glutamine and glutamic acid.

Blueprint Genetics
Classification: Uncertain significance. Last evaluated: 2019-07-23. Review status: criteria provided, single submitter. Criteria: ACMG Guidelines, 2015. Collection method: clinical testing. Allele origin: germline.

NM_015072.5(TTLL5):c.349C>G (p.Gln117Glu)

Gene: TTLL5 (tubulin tyrosine ligase like 5; plus strand). Cytogenetic location: 14q24.3.
Variant type: single nucleotide variant.
Coding change: c.349C>G on transcript NM_015072.5 (MANE Select); coding-DNA position 349, C replaced by G.
Protein change: p.Gln117Glu; replaces glutamine 117 with glutamic acid.
Molecular consequence: missense variant.
Genome position (GRCh38, 1-based): chr14:75,683,634, C>G. VCF-style: chr14-75683634-C-G. GRCh37 (hg19) VCF-style: chr14-76149977-C-G.
Other names: c.349C>G (NM_015072.4); short protein forms Q117E.
Identifiers: ClinVar variation 1433331 (VCV001433331.8), dbSNP rs140479826, ClinGen allele CA263671811.